The following is an entry in ClinVar:

NM_001845.6(COL4A1):c.123C>A (p.Cys41Ter)

Gene: COL4A1 (collagen type IV alpha 1 chain; minus strand). Cytogenetic location: 13q34.
Variant type: single nucleotide variant.
Coding change: c.123C>A on transcript NM_001845.6 (MANE Select); coding-DNA position 123, C replaced by A.
Protein change: p.Cys41Ter; replaces cysteine 41 with a stop codon.
Molecular consequence: nonsense.
Genome position (GRCh38, 1-based): chr13:110,242,696, G>T on the plus strand (C>A on the coding strand, the complement: COL4A1 is on the minus strand). VCF-style: chr13-110242696-G-T. GRCh37 (hg19) VCF-style: chr13-110895043-G-T.
Other names: c.123C>A, p.Cys41Ter (NM_001303110.2); short protein forms C41*.
Identifiers: ClinVar variation 3654277 (VCV003654277.2).
Genomic context (GRCh38, chr13:110,242,696, plus strand): 5'-TCACAAAGAAATGTTGTGATTTAAATTTCGGCAACTCACCTTTTGTCCCTTCACTCCATG[G>T]CAGTCACATTTGCCACAGCCAGAGCCAGCACAGCCACCCTGGAAGGAAAAGAAAACTTCT-3'

ClinVar aggregate classification (germline): Pathogenic (1 of 4 stars; one submission).

Submission:

Labcorp Genetics (formerly Invitae), Labcorp
Classification: Pathogenic. Last evaluated: 2024-08-11. Review status: criteria provided, single submitter. Criteria: Invitae Variant Classification Sherloc (09022015). Collection method: clinical testing. Allele origin: germline.
Comment: This sequence change creates a premature translational stop signal (p.Cys41*) in the COL4A1 gene. It is expected to result in an absent or disrupted protein product. Loss-of-function variants in COL4A1 are known to be pathogenic (PMID: 23225343). This variant is not present in population databases (gnomAD no frequency). This variant has not been reported in the literature in individuals affected with COL4A1-related conditions. For these reasons, this variant has been classified as Pathogenic.

Literature cited by the submitters: PubMed 23225343.